The following is an entry in ClinVar:

ClinVar aggregate classification (germline): Uncertain significance (1 of 4 stars; one submission).

gnomAD v4.1: 1 of 1,614,094 alleles (0.000062%); highest among the groups gnomAD compares: Non-Finnish European, 0.000085%; no homozygotes.

Submission:

GeneDx
Classification: Uncertain significance. Last evaluated: 2024-10-22. Review status: criteria provided, single submitter. Criteria: GeneDx Variant Classification Process June 2021. Collection method: clinical testing. Allele origin: germline. Affected: yes.
Comment: Not observed at significant frequency in large population cohorts (gnomAD); In silico analysis indicates that this missense variant does not alter protein structure/function; Has not been previously published as pathogenic or benign to our knowledge

NM_006939.4(SOS2):c.3712C>T (p.Pro1238Ser)

Gene: SOS2 (SOS Ras/Rho guanine nucleotide exchange factor 2; minus strand). Cytogenetic location: 14q21.3.
Variant type: single nucleotide variant.
Coding change: c.3712C>T on transcript NM_006939.4 (MANE Select); coding-DNA position 3712, C replaced by T.
Protein change: p.Pro1238Ser; replaces proline 1238 with serine.
Molecular consequence: missense variant.
Genome position (GRCh38, 1-based): chr14:50,118,631, G>A on the plus strand (C>T on the coding strand, the complement: SOS2 is on the minus strand). VCF-style: chr14-50118631-G-A. GRCh37 (hg19) VCF-style: chr14-50585349-G-A.
Other names: c.3613C>T, p.Pro1205Ser (NM_001411020.1); short protein forms P1205S, P1238S.
Identifiers: ClinVar variation 3893415 (VCV003893415.1).